The following is an entry in ClinVar:

NM_032043.3(BRIP1):c.503dup (p.Gln169fs)

Gene: BRIP1 (BRCA1 interacting DNA helicase 1; minus strand). Cytogenetic location: 17q23.2.
Variant type: Duplication.
Coding change: c.503dup on transcript NM_032043.3 (MANE Select); coding-DNA position 503, one base duplicated (A; older notation c.503dupA).
Protein change: p.Gln169fs; shifts the reading frame from glutamine 169.
Molecular consequence: frameshift variant.
Genome position (GRCh38, 1-based): chr17:61,849,133, T duplicated on the plus strand (A on the coding strand, the reverse complement: BRIP1 is on the minus strand). VCF-style (leftmost placement, unchanged base first): chr17-61849132-C-CT. GRCh37 (hg19) VCF-style: chr17-59926493-C-CT.
Other names: short protein forms Q169fs.
Identifiers: ClinVar variation 2583297 (VCV002583297.2), dbSNP rs2545418573, ClinGen allele CA2582342235.

ClinVar aggregate classification (germline): Pathogenic (1 of 4 stars; one submission).

Conditions:
Familial cancer of breast. Also called: Hereditary breast cancer; BREAST CANCER, FAMILIAL; hereditary breast carcinoma. Identifiers: Orphanet 227535, MedGen C0346153, MONDO:0016419, OMIM 114480. Disease mechanism: loss of function.

Submission:

Myriad Genetics, Inc.
Classification: Pathogenic for Familial cancer of breast. Last evaluated: 2023-05-31. Review status: criteria provided, single submitter. Criteria: Myriad Autosomal Dominant, Autosomal Recessive and X-Linked Classification Criteria (2023). Collection method: clinical testing. Allele origin: unknown.
Comment: This variant is considered pathogenic. This variant creates a frameshift predicted to result in premature protein truncation.